The following is an entry in ClinVar:

NM_015122.3(FCHO1):c.2647+62G>A

Gene: FCHO1 (FCH and mu domain containing endocytic adaptor 1; plus strand). Cytogenetic location: 19p13.11.
Variant type: single nucleotide variant.
Coding change: c.2647+62G>A on transcript NM_015122.3 (MANE Select); 62 bases into the intron after coding-DNA position 2647, G replaced by A.
Molecular consequence: intron variant.
Genome position (GRCh38, 1-based): chr19:17,787,908, G>A. VCF-style: chr19-17787908-G-A. GRCh37 (hg19) VCF-style: chr19-17898717-G-A.
Other names: c.2647+62G>A (NM_001384370.1, NM_001384376.1, NM_001384375.1 and 11 more transcripts); c.2371+62G>A (NM_001384396.1, NM_001384398.1, NM_001384400.1 and 4 more transcripts); c.2171+62G>A (NM_001384404.1); c.2572+62G>A (NM_001384390.1); c.2021+62G>A (NM_001384406.1); c.1744+62G>A (NM_001384407.1); c.2447+62G>A (NM_001384391.1); c.2530+62G>A (NM_001384393.1, NM_001384394.1, NM_001384392.1 and 1 more transcripts); and 5 more.
Identifiers: ClinVar variation 2688295 (VCV002688295.2), dbSNP rs265553, ClinGen allele CA14637794.

ClinVar aggregate classification (germline): Benign (1 of 4 stars; one submission).

Allele frequency attached by ClinVar (database versions not stated): 1000 Genomes Project 0.12780; 1000 Genomes Project 30x 0.12836; TOPMed 0.17745; gnomAD 0.18194.
gnomAD v4.1: 360,280 of 1,549,862 alleles (23%); highest among the groups gnomAD compares: Non-Finnish European, 26%; 44,971 homozygotes.

Submission:

Unidad de Genómica Garrahan, Hospital de Pediatría Garrahan
Classification: Benign. Last evaluated: 2024-01-24. Review status: criteria provided, single submitter. Criteria: ACMG Guidelines, 2015. Collection method: clinical testing. Allele origin: germline. Affected: no. Observed: 24 variant alleles.
Comment: This variant is classified as Benign based on local population frequency. This variant was detected in 25% of patients studied by a panel of primary immunodeficiencies. Number of patients: 24. Only high quality variants are reported.